The following is an entry in ClinVar:

ClinVar aggregate classification (germline): Likely benign (1 of 4 stars; one submission).

Allele frequency attached by ClinVar (database versions not stated): ESP Exome Variant Server 0.00030; gnomAD 0.00050; TOPMed 0.00051; ExAC 0.00121.
gnomAD v4.1: 701 of 1,399,266 alleles (0.05%); highest among the groups gnomAD compares: Admixed American, 0.046%; 4 homozygotes.

Submission:

CeGaT Center for Human Genetics Tuebingen
Classification: Likely benign. Last evaluated: 2022-04-01. Review status: criteria provided, single submitter. Criteria: CeGaT Center For Human Genetics Tuebingen Variant Classification Criteria Version 2. Collection method: clinical testing. Allele origin: germline. Affected: yes. Observed: 1 variant allele.
Comment: TNRC18: BP4, BP7

NM_001080495.3(TNRC18):c.7992C>T (p.Ser2664=)

Gene: TNRC18 (trinucleotide repeat containing 18; minus strand). Cytogenetic location: 7p22.1.
Variant type: single nucleotide variant.
Coding change: c.7992C>T on transcript NM_001080495.3 (MANE Select); coding-DNA position 7992, C replaced by T.
Protein change: p.Ser2664=; no amino-acid change (serine 2664 retained).
Molecular consequence: synonymous variant.
Genome position (GRCh38, 1-based): chr7:5,312,899, G>A on the plus strand (C>T on the coding strand, the complement: TNRC18 is on the minus strand). VCF-style: chr7-5312899-G-A. GRCh37 (hg19) VCF-style: chr7-5352530-G-A.
Identifiers: ClinVar variation 2657272 (VCV002657272.24), dbSNP rs376153797, ClinGen allele CA4143517.